The following is an entry in ClinVar:

ClinVar aggregate classification (germline): Conflicting classifications of pathogenicity. Review status: criteria provided, conflicting classifications (1 of 4 stars). 6 submissions from 6 submitters: Pathogenic (3); Likely pathogenic (2); Uncertain significance (1). Last evaluated 2026-03-23.

Conditions:
Mitochondrial complex I deficiency, nuclear type 16. Also called: Mitochondrial complex 1 deficiency, nuclear type 16. Identifiers: MedGen C4748785, MONDO:0032621, OMIM 618238.
Mitochondrial complex I deficiency. Also called: NADH:Q(1) OXIDOREDUCTASE DEFICIENCY. Identifiers: Orphanet 2609, MedGen C1838979, MeSH C537475, MONDO:0100133.

Allele frequency attached by ClinVar (database versions not stated): gnomAD 0.00005; TOPMed 0.00006; 1000 Genomes Project 30x 0.00016; 1000 Genomes Project 0.00020; ESP Exome Variant Server 0.00023.
gnomAD v4.1: 127 of 1,614,072 alleles (0.0079%); highest among the groups gnomAD compares: Admixed American, 0.013%; no homozygotes.

Submissions (6):

GeneDx
Classification: Pathogenic. Last evaluated: 2026-03-23. Review status: criteria provided, single submitter. Criteria: GeneDx Variant Classification Process June 2021. Collection method: clinical testing. Allele origin: germline.
Comment: Reported in a cohort of patients with cardiovascular disease, but clinical details were not provided (PMID: 31345219); Nonsense variant predicted to result in protein truncation or nonsense mediated decay in a gene for which loss of function is a known mechanism of disease; Not observed at significant frequency in large population cohorts (gnomAD); This variant is associated with the following publications: (PMID: 31345219)

Labcorp Genetics (formerly Invitae), Labcorp
Classification: Pathogenic. Last evaluated: 2026-01-14. Review status: criteria provided, single submitter. Criteria: Invitae Variant Classification Sherloc (09022015). Collection method: clinical testing. Allele origin: germline.
Comment: This sequence change creates a premature translational stop signal (p.Arg276*) in the NDUFAF5 gene. It is expected to result in an absent or disrupted protein product. Loss-of-function variants in NDUFAF5 are known to be pathogenic (PMID: 26275793, 30473481, 32918965). This variant is present in population databases (rs148305100, gnomAD 0.006%). This variant has not been reported in the literature in individuals affected with NDUFAF5-related conditions. ClinVar contains an entry for this variant (Variation ID: 2141503). Algorithms developed to predict the effect of sequence changes on RNA splicing suggest that this variant may disrupt the consensus splice site. For these reasons, this variant has been classified as Pathogenic.

Natera, Inc.
Classification: Likely pathogenic for Mitochondrial complex I deficiency. Last evaluated: 2025-06-17. Review status: criteria provided, single submitter. Criteria: Natera Variant Classification Schema (03/2026). Collection method: clinical testing. Allele origin: germline.
Comment: The c.826C>T variant in NDUFAF5 is a nonsense variant predicted to introduce a stop codon at amino acid 276. This variant is expected to result in nonsense mediated decay, truncation, or a dysfunctional protein product. This variant is rare in the general population with a frequency below the threshold expected for the associated phenotype(s). Given the available evidence, this variant is classified as Likely Pathogenic.

Baylor Genetics
Classification: Pathogenic for Mitochondrial complex I deficiency, nuclear type 16. Last evaluated: 2024-03-25. Review status: criteria provided, single submitter. Criteria: ACMG Guidelines, 2015. Collection method: clinical testing. Allele origin: unknown.

Fulgent Genetics
Classification: Likely pathogenic for Mitochondrial complex I deficiency, nuclear type 16. Last evaluated: 2024-01-10. Review status: criteria provided, single submitter. Criteria: ACMG Guidelines, 2015. Collection method: clinical testing. Allele origin: germline.

Blueprint Genetics
Classification: Uncertain significance. Last evaluated: 2023-11-10. Review status: criteria provided, single submitter. Criteria: ACMG Guidelines, 2015. Collection method: clinical testing. Allele origin: germline.

Literature cited by the submitters: PubMed 26275793 (cited by Labcorp Genetics (formerly Invitae), Labcorp); PubMed 30473481 (cited by Labcorp Genetics (formerly Invitae), Labcorp); PubMed 32918965 (cited by Labcorp Genetics (formerly Invitae), Labcorp).

NM_024120.5(NDUFAF5):c.826C>T (p.Arg276Ter)

Gene: NDUFAF5 (NADH:ubiquinone oxidoreductase complex assembly factor 5; plus strand). Cytogenetic location: 20p12.1.
Variant type: single nucleotide variant.
Coding change: c.826C>T on transcript NM_024120.5 (MANE Select); coding-DNA position 826, C replaced by T.
Protein change: p.Arg276Ter; replaces arginine 276 with a stop codon.
Molecular consequence: nonsense. On other transcripts: non-coding transcript variant (7).
Genome position (GRCh38, 1-based): chr20:13,816,510, C>T. VCF-style: chr20-13816510-C-T. GRCh37 (hg19) VCF-style: chr20-13797156-C-T.
Other names: c.742C>T, p.Arg248Ter (NM_001039375.3); c.355C>T, p.Arg119Ter (NM_001352403.2); c.265C>T, p.Arg89Ter (NM_001352406.2, NM_001352407.2); c.826C>T (NM_024120.4); short protein forms R119*, R276*, R89*, R248*.
Identifiers: ClinVar variation 2141503 (VCV002141503.11), dbSNP rs148305100, ClinGen allele CA9767895.
Genomic context (GRCh38, chr20:13,816,510, plus strand): 5'-AGTGTATTTGTAGGTATGGGTGAGAGTAACTGTGCTTGGAATAGAAAAGCCCTGCTGCAT[C>T]GAGACACAATGCTGGCAGCTGCGGCAGTGTACAGAGGTAAGGGGCGACCACTCTTTCACC-3'